The following is an entry in ClinVar:

NM_000238.4(KCNH2):c.1199T>A (p.Ile400Asn)

Gene: KCNH2 (potassium voltage-gated channel subfamily H member 2; minus strand). Cytogenetic location: 7q36.1.
Variant type: single nucleotide variant.
Coding change: c.1199T>A on transcript NM_000238.4 (MANE Select); coding-DNA position 1199, T replaced by A.
Protein change: p.Ile400Asn; replaces isoleucine 400 with asparagine.
Molecular consequence: missense variant.
Genome position (GRCh38, 1-based): chr7:150,952,783, A>T on the plus strand (T>A on the coding strand, the complement: KCNH2 is on the minus strand). VCF-style: chr7-150952783-A-T. GRCh37 (hg19) VCF-style: chr7-150649871-A-T.
Other names: c.1199T>A (LRG_288t1); c.179T>A, p.Ile60Asn (NM_001204798.2, NM_172057.3); c.911T>A, p.Ile304Asn (NM_001406753.1, NM_001406756.1); c.1022T>A, p.Ile341Asn (NM_001406755.1); c.899T>A, p.Ile300Asn (NM_001406757.1); c.1199T>A, p.Ile400Asn (NM_172056.3); short protein forms I400N, I60N, I300N, I304N, I341N.
Identifiers: ClinVar variation 67165 (VCV000067165.4), dbSNP rs199472891, ClinGen allele CA004263.

ClinVar aggregate classification (germline): Uncertain significance. Review status: criteria provided, single submitter (1 of 4 stars). 2 submissions from 2 submitters: Uncertain significance (1). 1 of the submissions does not count toward it. Last evaluated 2024-03-01.

Conditions:
Familial long QT syndrome (RWS). Also called: Congenital long QT syndrome; Romano-Ward syndrome; VENTRICULAR FIBRILLATION WITH PROLONGED QT INTERVAL. Identifiers: Orphanet 768, MedGen C1141890, MONDO:0019171.
Long QT syndrome (LQTS). Identifiers: MedGen C0023976, MeSH D008133, MONDO:0002442. Disease mechanism: loss of function. Inheritance: Various modes of inheritance.

Submissions (2):

Lildballe Lab, Aarhus University Hospital
Classification: Uncertain significance for Long QT syndrome. Last evaluated: 2024-03-01. Review status: criteria provided, single submitter. Criteria: ACMG Guidelines, 2015. Collection method: research. Allele origin: germline. Affected: yes.
Comment: PM2(sup), PM1(sup), PP2(sup), PP3(sup)

Cardiovascular Biomedical Research Unit, Royal Brompton & Harefield NHS Foundation Trust
No classification provided. Condition: Familial long QT syndrome. Review status: no classification provided. Collection method: literature only. Allele origin: germline. Not counted in ClinVar's aggregate classification.
Comment: This variant has been reported as associated with Long QT syndrome in the following publications (PMID:11468227;PMID:16937190). This is a literature report, and does not necessarily reflect the clinical interpretation of the Imperial College / Royal Brompton Cardiovascular Genetics laboratory.

Literature cited by the submitters: PubMed 25741882 (cited by Lildballe Lab, Aarhus University Hospital); PubMed 39481677 (cited by Lildballe Lab, Aarhus University Hospital); PubMed 11468227 (cited by Cardiovascular Biomedical Research Unit, Royal Brompton & Harefield NHS Foundation Trust); PubMed 16937190 (cited by Cardiovascular Biomedical Research Unit, Royal Brompton & Harefield NHS Foundation Trust); PubMed 22581653 (cited by Cardiovascular Biomedical Research Unit, Royal Brompton & Harefield NHS Foundation Trust).